The following is an entry in ClinVar:

NM_004562.3(PRKN):c.*1695G>A

Gene: PRKN (parkin RBR E3 ubiquitin protein ligase; minus strand). Cytogenetic location: 6q26.
Variant type: single nucleotide variant.
Coding change: c.*1695G>A on transcript NM_004562.3 (MANE Select); 1695 bases downstream of the stop codon, G replaced by A.
Molecular consequence: 3 prime UTR variant.
Genome position (GRCh38, 1-based): chr6:161,348,404, C>T on the plus strand (G>A on the coding strand, the complement: PRKN is on the minus strand). VCF-style: chr6-161348404-C-T. GRCh37 (hg19) VCF-style: chr6-161769436-C-T.
Other names: c.*1695G>A (NM_013987.3, NM_013988.3).
Identifiers: ClinVar variation 355991 (VCV000355991.6), dbSNP rs77283740, ClinGen allele CA10623376.

ClinVar aggregate classification (germline): Likely benign. Review status: criteria provided, multiple submitters, no conflicts (2 of 4 stars). 2 submissions from 2 submitters: Likely benign (2). Last evaluated 2018-01-13.

Conditions:
Autosomal recessive juvenile Parkinson disease 2. Also called: PARKINSON DISEASE, JUVENILE, AUTOSOMAL RECESSIVE; Parkinson disease autosomal recessive, early onset; Juvenile parkinsonism; Parkinsonism, early onset, with diurnal fluctuation; PRKN-Related Early-Onset Parkinson Disease; Parkinson disease, juvenile, type 2. Identifiers: Orphanet 2828, MedGen C1868675, MONDO:0010820, OMIM 600116.

Allele frequency attached by ClinVar (database versions not stated): gnomAD exomes 0.00618; gnomAD 0.01595 and 0.01596; TOPMed 0.01823; 1000 Genomes Project 30x 0.02530; 1000 Genomes Project 0.02656.
gnomAD v4.1: 2,898 of 222,950 alleles (1.3%); highest among the groups gnomAD compares: African/African-American, 4.3%; 47 homozygotes.

Submissions (2):

Illumina Laboratory Services, Illumina
Classification: Likely benign for Autosomal recessive juvenile Parkinson disease 2. Last evaluated: 2018-01-13. Review status: criteria provided, single submitter. Criteria: ICSL Variant Classification Criteria 13 December 2019. Collection method: clinical testing. Allele origin: germline.
Comment: This variant was observed in the ICSL laboratory as part of a predisposition screen in an ostensibly healthy population. It had not been previously curated by ICSL or reported in the Human Gene Mutation Database (HGMD: prior to June 1st, 2018), and was therefore a candidate for classification through an automated scoring system. Utilizing variant allele frequency, disease prevalence and penetrance estimates, and inheritance mode, an automated score was calculated to assess if this variant is too frequent to cause the disease. Based on the score and internal cut-off values, a variant classified as likely benign is not then subjected to further curation. The score for this variant resulted in a classification of likely benign for this disease.

Breakthrough Genomics
Classification: Likely benign. Review status: criteria provided, single submitter. Criteria: ACMG Guidelines, 2015. Collection method: not provided. Allele origin: germline. Inheritance: Autosomal recessive inheritance. Affected: yes.